The following is an entry in ClinVar:

NM_001004136.2(OR2T2):c.759C>T (p.Tyr253=)

Gene: OR2T2 (olfactory receptor family 2 subfamily T member 2; plus strand). Cytogenetic location: 1q44.
Variant type: single nucleotide variant.
Coding change: c.759C>T on transcript NM_001004136.2 (MANE Select); coding-DNA position 759, C replaced by T.
Protein change: p.Tyr253=; no amino-acid change (tyrosine 253 retained).
Molecular consequence: synonymous variant.
Genome position (GRCh38, 1-based): chr1:248,453,556, C>T. VCF-style: chr1-248453556-C-T. GRCh37 (hg19) VCF-style: chr1-248616857-C-T.
Identifiers: ClinVar variation 2640255 (VCV002640255.24), dbSNP rs763553843, ClinGen allele CA1504631.

ClinVar aggregate classification (germline): Likely benign (1 of 4 stars; one submission).

Allele frequency attached by ClinVar (database versions not stated): gnomAD 0.00008; ExAC 0.00015.

Submission:

CeGaT Center for Human Genetics Tuebingen
Classification: Likely benign. Last evaluated: 2022-08-01. Review status: criteria provided, single submitter. Criteria: CeGaT Center For Human Genetics Tuebingen Variant Classification Criteria Version 2. Collection method: clinical testing. Allele origin: germline. Affected: yes. Observed: 1 variant allele.
Comment: OR2T2: BP4, BP7